The following is an entry in ClinVar:

NM_016203.4(PRKAG2):c.635C>T (p.Pro212Leu)

Gene: PRKAG2 (protein kinase AMP-activated non-catalytic subunit gamma 2; minus strand). Cytogenetic location: 7q36.1.
Variant type: single nucleotide variant.
Coding change: c.635C>T on transcript NM_016203.4 (MANE Select); coding-DNA position 635, C replaced by T.
Protein change: p.Pro212Leu; replaces proline 212 with leucine.
Molecular consequence: missense variant.
Genome position (GRCh38, 1-based): chr7:151,675,469, G>A on the plus strand (C>T on the coding strand, the complement: PRKAG2 is on the minus strand). VCF-style: chr7-151675469-G-A. GRCh37 (hg19) VCF-style: chr7-151372555-G-A.
Other names: c.503C>T, p.Pro168Leu (NM_001040633.2); c.263C>T, p.Pro88Leu (NM_001304527.2, NM_001363698.2); short protein forms P88L, P168L, P212L.
Identifiers: ClinVar variation 1423265 (VCV001423265.12), dbSNP rs749753053, ClinGen allele CA057730.
Genomic context (GRCh38, chr7:151,675,469, plus strand): 5'-CCCAGACTTACGGCTTTGGAGGGAGCATAGTGTGTCGGTGATGCCAGTGGAGGCCTGGTC[G>A]GGCTCTGGAAGGAAGACGGGCAGAACCTCTGCCCTGTGTCCGGGGGGGAAGACGAGGCAT-3'
Protein context (NP_057287.2, residues 202-222): QRFCPSSFQS[Pro212Leu]TRPPLASPTH

ClinVar aggregate classification (germline): Conflicting classifications of pathogenicity. Review status: criteria provided, conflicting classifications (1 of 4 stars). 3 submissions from 3 submitters: Uncertain significance (2); Likely benign (1). Last evaluated 2025-08-24.

Conditions:
Lethal congenital glycogen storage disease of heart. Also called: GLYCOGEN STORAGE DISEASE OF HEART; PHOSPHORYLASE KINASE DEFICIENCY OF HEART. Identifiers: Orphanet 439854, MedGen C1849813, MONDO:0009867, OMIM 261740.
Cardiovascular phenotype. Identifiers: MedGen CN230736.
Hypertrophic cardiomyopathy. Also called: HYPERTROPHIC MYOCARDIOPATHY. Identifiers: Orphanet 217569, MedGen C0007194, MeSH D002312, MONDO:0005045, HP:0001639.

Allele frequency attached by ClinVar (database versions not stated): gnomAD exomes 0.00001; ExAC 0.00002; gnomAD 0.00002; TOPMed 0.00003.
gnomAD v4.1: 18 of 1,614,032 alleles (0.0011%); highest among the groups gnomAD compares: East Asian, 0.0045%; no homozygotes.

Submissions (3):

Labcorp Genetics (formerly Invitae), Labcorp
Classification: Likely benign for Lethal congenital glycogen storage disease of heart. Last evaluated: 2025-08-24. Review status: criteria provided, single submitter. Criteria: Invitae Variant Classification Sherloc (09022015). Collection method: clinical testing. Allele origin: germline.

Ambry Genetics
Classification: Uncertain significance for Cardiovascular phenotype. Last evaluated: 2024-11-10. Review status: criteria provided, single submitter. Criteria: Ambry Variant Classification Scheme 2023. Collection method: clinical testing. Allele origin: germline.
Comment: The p.P212L variant (also known as c.635C>T), located in coding exon 4 of the PRKAG2 gene, results from a C to T substitution at nucleotide position 635. The proline at codon 212 is replaced by leucine, an amino acid with similar properties. This amino acid position is poorly conserved in available vertebrate species. In addition, this alteration is predicted to be tolerated by in silico analysis. Since supporting evidence is limited at this time, the clinical significance of this alteration remains unclear.

All of Us Research Program, National Institutes of Health
Classification: Uncertain significance for Hypertrophic cardiomyopathy. Last evaluated: 2023-12-01. Review status: criteria provided, single submitter. Criteria: ACMG Guidelines, 2015. Collection method: clinical testing. Allele origin: germline. Inheritance: Autosomal dominant inheritance. Observed: 4 variant alleles, 4 heterozygotes.
Comment: This missense variant replaces proline with leucine at codon 212 of the PRKAG2 protein. Computational prediction suggests that this variant may not impact protein structure and function (internally defined REVEL score threshold <= 0.5, PMID: 27666373). To our knowledge, functional studies have not been reported for this variant. This variant has not been reported in individuals affected with PRKAG2-related disorders in the literature. This variant has been identified in 2/251316 chromosomes in the general population by the Genome Aggregation Database (gnomAD). The available evidence is insufficient to determine the role of this variant in disease conclusively. Therefore, this variant is classified as a Variant of Uncertain Significance.

This study involves interpretation of variants in research participants for the purpose of population health screening. Participant phenotype was not available at the time of variant classification. Additional details can be found in publication PMID: 35346344, PMCID: PMC8962531